The following is an entry in ClinVar:

ClinVar aggregate classification (germline): Uncertain significance (1 of 4 stars; one submission).

Submission:

Labcorp Genetics (formerly Invitae), Labcorp
Classification: Uncertain significance. Last evaluated: 2022-11-22. Review status: criteria provided, single submitter. Criteria: Invitae Variant Classification Sherloc (09022015). Collection method: clinical testing. Allele origin: germline.
Comment: In summary, the available evidence is currently insufficient to determine the role of this variant in disease. Therefore, it has been classified as a Variant of Uncertain Significance. Advanced modeling of protein sequence and biophysical properties (such as structural, functional, and spatial information, amino acid conservation, physicochemical variation, residue mobility, and thermodynamic stability) performed at Invitae indicates that this missense variant is expected to disrupt USH2A protein function. This variant has not been reported in the literature in individuals affected with USH2A-related conditions. This variant is not present in population databases (gnomAD no frequency). This sequence change replaces cysteine, which is neutral and slightly polar, with tyrosine, which is neutral and polar, at codon 3359 of the USH2A protein (p.Cys3359Tyr).

NM_206933.4(USH2A):c.10076G>A (p.Cys3359Tyr)

Gene: USH2A (usherin; minus strand). Cytogenetic location: 1q41.
Variant type: single nucleotide variant.
Coding change: c.10076G>A on transcript NM_206933.4 (MANE Select); coding-DNA position 10076, G replaced by A.
Protein change: p.Cys3359Tyr; replaces cysteine 3359 with tyrosine.
Molecular consequence: missense variant.
Genome position (GRCh38, 1-based): chr1:215,790,165, C>T on the plus strand (G>A on the coding strand, the complement: USH2A is on the minus strand). VCF-style: chr1-215790165-C-T. GRCh37 (hg19) VCF-style: chr1-215963507-C-T.
Other names: short protein forms C3359Y.
Identifiers: ClinVar variation 1930424 (VCV001930424.5), dbSNP rs2464419859, ClinGen allele CA344844005.
Genomic context (GRCh38, chr1:215,790,165, plus strand): 5'-AAAGGATTATATCCAACTCCATTACAGCATTTCTGGCTCTTTGGAATAAGTTCAGTCTCA[C>T]AGCATTTTACTGGCACCGGGTCATTCTTTTTAATATGTGCTTTAGACTCTCCACTGGAAG-3'
Protein context (NP_996816.3, residues 3349-3369): KKNDPVPVKC[Cys3359Tyr]ETELIPKSQK